The following is an entry in ClinVar:

ClinVar aggregate classification (germline): Conflicting classifications of pathogenicity. Review status: criteria provided, conflicting classifications (1 of 4 stars). 4 submissions from 4 submitters: Uncertain significance (2); Likely benign (1). 1 of the submissions does not count toward it. Last evaluated 2026-01-18.

Conditions:
Inborn genetic diseases. Identifiers: MedGen C0950123, MeSH D030342.
DIAPH1-related disorder. Also called: DIAPH1-related condition.
Autosomal dominant nonsyndromic hearing loss 1. Also called: DEAFNESS, AUTOSOMAL DOMINANT 1, WITH OR WITHOUT THROMBOCYTOPENIA; KONIGSMARK SYNDROME. Identifiers: Orphanet 90635, MedGen C1852282, MONDO:0007424, OMIM 124900.
Progressive microcephaly-seizures-cortical blindness-developmental delay syndrome. Also called: Seizures, cortical blindness, and microcephaly syndrome. Identifiers: Orphanet 477814, MedGen C5567650, MONDO:0014714, OMIM 616632.

Allele frequency attached by ClinVar (database versions not stated): gnomAD 0.00008; gnomAD exomes 0.00009; ExAC 0.00028.
gnomAD v4.1: 124 of 1,518,610 alleles (0.0082%); highest among the groups gnomAD compares: Non-Finnish European, 0.01%; no homozygotes.

Submissions (4):

Labcorp Genetics (formerly Invitae), Labcorp
Classification: Uncertain significance for Progressive microcephaly-seizures-cortical blindness-developmental delay syndrome; Autosomal dominant nonsyndromic hearing loss 1. Last evaluated: 2026-01-18. Review status: criteria provided, single submitter. Criteria: Invitae Variant Classification Sherloc (09022015). Collection method: clinical testing. Allele origin: germline.
Comment: This sequence change replaces proline, which is neutral and non-polar, with leucine, which is neutral and non-polar, at codon 679 of the DIAPH1 protein (p.Pro679Leu). This variant is present in population databases (rs768743097, gnomAD 0.02%). This variant has not been reported in the literature in individuals affected with DIAPH1-related conditions. ClinVar contains an entry for this variant (Variation ID: 907375). Experimental studies and prediction algorithms are not available or were not evaluated, and the functional significance of this variant is currently unknown. In summary, the available evidence is currently insufficient to determine the role of this variant in disease. Therefore, it has been classified as a Variant of Uncertain Significance.

Ambry Genetics
Classification: Likely benign for Inborn genetic diseases. Last evaluated: 2024-02-22. Review status: criteria provided, single submitter. Criteria: Ambry Variant Classification Scheme 2023. Collection method: clinical testing. Allele origin: germline.

Illumina Laboratory Services, Illumina
Classification: Uncertain significance for Autosomal dominant nonsyndromic hearing loss 1. Last evaluated: 2018-01-12. Review status: criteria provided, single submitter. Criteria: ICSL Variant Classification Criteria 13 December 2019. Collection method: clinical testing. Allele origin: germline.

PreventionGenetics, part of Exact Sciences
Classification: Uncertain significance for DIAPH1-related condition. Last evaluated: 2024-08-21. Review status: no assertion criteria provided. Collection method: clinical testing. Allele origin: germline. Not counted in ClinVar's aggregate classification.
Comment: The DIAPH1 c.2036C>T variant is predicted to result in the amino acid substitution p.Pro679Leu. To our knowledge, this variant has not been reported in the literature. This variant is reported in 0.022% of alleles in individuals of European (Non-Finnish) descent in gnomAD. At this time, the clinical significance of this variant is uncertain due to the absence of conclusive functional and genetic evidence.

NM_005219.5(DIAPH1):c.2036C>T (p.Pro679Leu)

Gene: DIAPH1 (diaphanous related formin 1; minus strand). Cytogenetic location: 5q31.3.
Variant type: single nucleotide variant.
Coding change: c.2036C>T on transcript NM_005219.5 (MANE Select); coding-DNA position 2036, C replaced by T.
Protein change: p.Pro679Leu; replaces proline 679 with leucine.
Molecular consequence: missense variant.
Genome position (GRCh38, 1-based): chr5:141,573,814, G>A on the plus strand (C>T on the coding strand, the complement: DIAPH1 is on the minus strand). VCF-style: chr5-141573814-G-A. GRCh37 (hg19) VCF-style: chr5-140953381-G-A.
Other names: c.2009C>T, p.Pro670Leu (NM_001079812.3); c.2036C>T, p.Pro679Leu (NM_001314007.2); short protein forms P670L, P679L.
Identifiers: ClinVar variation 907375 (VCV000907375.13), dbSNP rs768743097, ClinGen allele CA3479172.